The following is an entry in ClinVar:

NM_016628.5(WAC):c.1084CTT[1] (p.Leu363del)

Gene: WAC (WW domain containing adaptor with coiled-coil; plus strand). Cytogenetic location: 10p12.1.
Variant type: Microsatellite.
Coding change: c.1084CTT[1] on transcript NM_016628.5 (MANE Select); one copy of the 3-base unit CTT starting at c.1084; the reference has two copies in a row; one copy, 3 bases deleted.
Protein change: p.Leu363del; deletes leucine 363.
Molecular consequence: inframe deletion.
Genome position (GRCh38, 1-based): chr10:28,608,353-28,608,355, CTT deleted; deleting any 3 consecutive bases within chr10:28,608,349-28,608,355 gives the same sequence; the position shown is the placement nearest the transcript's 3' end. VCF-style (leftmost placement, unchanged base first): chr10-28608348-ATCT-A. GRCh37 (hg19) VCF-style: chr10-28897277-ATCT-A.
Other names: c.1087_1089delCTT (NM_016628.5); c.949CTT[1], p.Leu318del (NM_100264.3); c.775CTT[1], p.Leu260del (NM_100486.4); short protein forms L318del, L260del, L363del.
Identifiers: ClinVar variation 2260644 (VCV002260644.4), dbSNP rs1234385987, ClinGen allele CA592425410.
Genomic context (GRCh38, chr10:28,608,348, plus strand): 5'-CAGCGGTCCCTGTTTCTCCTGTTCCACAGTCGCCAATACCTCCCTTACTTCAGGACCCAA[ATCT>A]TCTTAGACAATTGCTTCCTGCTTTGCAAGCCACGCTGCAGCTTAATAATTCTAATGTGGA-3'

ClinVar aggregate classification (germline): Uncertain significance. Review status: criteria provided, multiple submitters, no conflicts (2 of 4 stars). 2 submissions from 2 submitters: Uncertain significance (2). Last evaluated 2026-02-06.

Conditions:
Inborn genetic diseases. Identifiers: MedGen C0950123, MeSH D030342.

Submissions (2):

Women's Health and Genetics/Laboratory Corporation of America, LabCorp
Classification: Uncertain significance. Last evaluated: 2026-02-06. Review status: criteria provided, single submitter. Criteria: LabCorp Variant Classification Summary - May 2015. Collection method: clinical testing. Allele origin: germline.
Comment: Variant summary: WAC c.1087_1089delCTT (p.Leu363del) results in an in-frame deletion that is predicted to remove one amino acids from the encoded protein. The variant allele was found at a frequency of 1.9e-06 in 1606968 control chromosomes (gnomAD). The available data on variant occurrences in the general population are insufficient to allow any conclusion about variant significance. To our knowledge, no occurrence of c.1087_1089delCTT in individuals affected with WAC-related conditions and no experimental evidence demonstrating its impact on protein function have been reported. ClinVar contains an entry for this variant (Variation ID: 2260644). Based on the evidence outlined above, the variant was classified as uncertain significance.

Ambry Genetics
Classification: Uncertain significance for Inborn genetic diseases. Last evaluated: 2021-12-14. Review status: criteria provided, single submitter. Criteria: Ambry Variant Classification Scheme 2023. Collection method: clinical testing. Allele origin: germline.
Comment: The c.1087_1089delCTT (p.L363del) alteration is located in exon 1 (coding exon 1) of the WAC gene. This alteration consists of an in-frame deletion of 3 nucleotides between nucleotide positions c.1087 and c.1089, resulting in the deletion of 1 residue. Based on insufficient or conflicting evidence, the clinical significance of this alteration remains unclear.